The following is an entry in ClinVar:

NM_000264.5(PTCH1):c.875T>C (p.Met292Thr)

Gene: PTCH1 (patched 1; minus strand). Cytogenetic location: 9q22.32.
Variant type: single nucleotide variant.
Coding change: c.875T>C on transcript NM_000264.5 (MANE Select); coding-DNA position 875, T replaced by C.
Protein change: p.Met292Thr; replaces methionine 292 with threonine.
Molecular consequence: missense variant. On other transcripts: non-coding transcript variant (1).
Genome position (GRCh38, 1-based): chr9:95,480,460, A>G on the plus strand (T>C on the coding strand, the complement: PTCH1 is on the minus strand). VCF-style: chr9-95480460-A-G. GRCh37 (hg19) VCF-style: chr9-98242742-A-G.
Other names: c.677T>C, p.Met226Thr (NM_001083602.3); c.872T>C, p.Met291Thr (NM_001083603.3); c.422T>C, p.Met141Thr (NM_001083604.3, NM_001083605.3, NM_001083606.3 and 1 more transcripts); c.875T>C, p.Met292Thr (NM_001354918.2); c.875T>C (NM_000264.4); short protein forms M226T, M291T, M141T, M292T.
Identifiers: ClinVar variation 822718 (VCV000822718.40), dbSNP rs748727674, ClinGen allele CA5138831.
Genomic context (GRCh38, chr9:95,480,460, plus strand): 5'-TTTTTGTTGGGGGCTGTGGCGGGGCAGTCTGGATCGGCCGGATTGAGGCAGGGGCGGTCC[A>G]TGTAACCATGACCAACCTCAGCCTTATTCAGCATTTCCTCCCAGCTGTCCACTTGATAGT-3'
Protein context (NP_000255.2, residues 282-302): LNKAEVGHGY[Met292Thr]DRPCLNPADP

ClinVar aggregate classification (germline): Conflicting classifications of pathogenicity. Review status: criteria provided, conflicting classifications (1 of 4 stars). 5 submissions from 5 submitters: Uncertain significance (1); Benign (1); Likely benign (3). Last evaluated 2025-11-01.

Conditions:
Hereditary cancer-predisposing syndrome. Also called: Tumor predisposition; Hereditary neoplastic syndrome; Neoplastic Syndromes, Hereditary; Hereditary Cancer Syndrome. Identifiers: Orphanet 140162, MedGen C0027672, MeSH D009386, MONDO:0015356.
PTCH1-related disorder. Also called: PTCH1-related disorders; PTCH1-related condition.
Gorlin syndrome. Also called: Nevoid Basal Cell Carcinoma Syndrome; Basal cell nevus syndrome. Identifiers: Orphanet 377, MedGen C0004779, MONDO:0007187.

Allele frequency attached by ClinVar (database versions not stated): gnomAD below 0.00001 and 0.00001; ExAC 0.00011.
gnomAD v4.1: 93 of 1,612,068 alleles (0.0058%); highest among the groups gnomAD compares: South Asian, 0.092%; 1 homozygote.

Submissions (5):

Labcorp Genetics (formerly Invitae), Labcorp
Classification: Likely benign for Gorlin syndrome. Last evaluated: 2025-11-01. Review status: criteria provided, single submitter. Criteria: Invitae Variant Classification Sherloc (09022015). Collection method: clinical testing. Allele origin: germline.

PreventionGenetics, part of Exact Sciences
Classification: Likely benign for PTCH1-related condition. Last evaluated: 2025-06-19. Review status: criteria provided, single submitter. Criteria: ACMG Guidelines, 2015. Collection method: clinical testing. Allele origin: germline.
Comment: This variant is classified as likely benign based on ACMG/AMP sequence variant interpretation guidelines (Richards et al. 2015 PMID: 25741868, with internal and published modifications).

CeGaT Center for Human Genetics Tuebingen
Classification: Uncertain significance. Last evaluated: 2023-09-01. Review status: criteria provided, single submitter. Criteria: CeGaT Center For Human Genetics Tuebingen Variant Classification Criteria Version 2. Collection method: clinical testing. Allele origin: germline. Affected: yes. Observed: 1 variant allele.
Comment: PTCH1: PP3

Quest Diagnostics Nichols Institute San Juan Capistrano
Classification: Likely benign. Last evaluated: 2022-09-29. Review status: criteria provided, single submitter. Criteria: Quest Diagnostics criteria. Collection method: clinical testing. Allele origin: unknown.

Ambry Genetics
Classification: Benign for Hereditary cancer-predisposing syndrome. Last evaluated: 2022-04-20. Review status: criteria provided, single submitter. Criteria: Ambry Variant Classification Scheme 2023. Collection method: clinical testing. Allele origin: germline.